The following is an entry in ClinVar:

ClinVar aggregate classification (germline): Likely pathogenic (1 of 4 stars; one submission).

Submission:

Labcorp Genetics (formerly Invitae), Labcorp
Classification: Likely pathogenic. Last evaluated: 2021-12-23. Review status: criteria provided, single submitter. Criteria: Invitae Variant Classification Sherloc (09022015). Collection method: clinical testing. Allele origin: germline.
Comment: This variant results in the deletion of part of exon 6 (c.520_528-8del) of the PRPF31 gene. It is expected to disrupt RNA splicing. Variants that disrupt the donor or acceptor splice site typically lead to a loss of protein function (PMID: 16199547), and loss-of-function variants in PRPF31 are known to be pathogenic (PMID: 18317597, 23950152). This variant is not present in population databases (gnomAD no frequency). In summary, the currently available evidence indicates that the variant is pathogenic, but additional data are needed to prove that conclusively. Therefore, this variant has been classified as Likely Pathogenic. This variant has been observed in individual(s) with retinitis pigmentosa (Invitae).

Literature cited by the submitters: PubMed 16199547; PubMed 18317597; PubMed 23950152.

NM_015629.4(PRPF31):c.520_528-8del

Gene: PRPF31 (pre-mRNA processing factor 31; plus strand). Cytogenetic location: 19q13.42.
Variant type: Deletion.
Coding change: c.520_528-8del on transcript NM_015629.4 (MANE Select); coding-DNA position 520 through 8 bases into the intron before coding-DNA position 528, 189 bases deleted.
Molecular consequence: splice donor variant.
Genome position (GRCh38, 1-based): chr19:54,123,553-54,123,741, 189 bases deleted. GRCh37 (hg19): chr19:54,626,932-54,627,120.
Identifiers: ClinVar variation 2056737 (VCV002056737.4), dbSNP rs2516139169, ClinGen allele CA2580097774.